The following is an entry in ClinVar:

NM_001389.5(DSCAM):c.63C>G (p.His21Gln)

Gene: DSCAM (DS cell adhesion molecule; minus strand). Cytogenetic location: 21q22.2.
Variant type: single nucleotide variant.
Coding change: c.63C>G on transcript NM_001389.5 (MANE Select); coding-DNA position 63, C replaced by G.
Protein change: p.His21Gln; replaces histidine 21 with glutamine.
Molecular consequence: missense variant. On other transcripts: non-coding transcript variant (1).
Genome position (GRCh38, 1-based): chr21:40,708,752, G>C on the plus strand (C>G on the coding strand, the complement: DSCAM is on the minus strand). VCF-style: chr21-40708752-G-C. GRCh37 (hg19) VCF-style: chr21-42080678-G-C.
Other names: c.63C>G, p.His21Gln (NM_001271534.3, NM_206887.1); short protein forms H21Q.
Identifiers: ClinVar variation 1943955 (VCV001943955.5), dbSNP rs2090745034, ClinGen allele CA410596325.

ClinVar aggregate classification (germline): Uncertain significance (1 of 4 stars; one submission).

Allele frequency attached by ClinVar (database versions not stated): gnomAD exomes below 0.00001.
gnomAD v4.1: 1 of 1,577,624 alleles (0.000063%); highest among the groups gnomAD compares: Admixed American, 0.0018%; no homozygotes.

Submission:

Labcorp Genetics (formerly Invitae), Labcorp
Classification: Uncertain significance. Last evaluated: 2022-05-04. Review status: criteria provided, single submitter. Criteria: Invitae Variant Classification Sherloc (09022015). Collection method: clinical testing. Allele origin: germline.
Comment: Algorithms developed to predict the effect of missense changes on protein structure and function are either unavailable or do not agree on the potential impact of this missense change (SIFT: "Deleterious"; PolyPhen-2: "Benign"; Align-GVGD: "Class C0"). This variant has not been reported in the literature in individuals affected with DSCAM-related conditions. This variant is not present in population databases (gnomAD no frequency). This sequence change replaces histidine, which is basic and polar, with glutamine, which is neutral and polar, at codon 21 of the DSCAM protein (p.His21Gln). In summary, the available evidence is currently insufficient to determine the role of this variant in disease. Therefore, it has been classified as a Variant of Uncertain Significance.